The following is an entry in ClinVar:

ClinVar aggregate classification (germline): Pathogenic (1 of 4 stars; one submission).

Conditions:
Congenital myasthenic syndrome 2C. Also called: Myasthenic syndrome, congenital, 2C, associated with acetylcholine receptor deficiency. Identifiers: Orphanet 590, MedGen C4225373, MONDO:0014582, OMIM 616314.

Submission:

Broad Center for Mendelian Genomics, Broad Institute of MIT and Harvard
Classification: Pathogenic for Congenital myasthenic syndrome 2C. Last evaluated: 2023-08-24. Review status: criteria provided, single submitter. Criteria: ACMG/ClinGen CNV Guidelines, 2019. Collection method: research. Allele origin: inherited. Inheritance: Autosomal recessive inheritance. Affected: yes.
Comment: A homozygous deletion of exon 8 in CHRNB1 (NM_000747.3) was identified by exome sequencing in one individual with myasthenic syndrome ([GRCh 38] chr17:7454200_7454618 x0) (PMID: 33060286). The presence of this deletion was validated by a multiplex PCR assay (MLPA). These breakpoints have been estimated by exome sequencing only and therefore may not reflect the true breakpoints. The patient phenotype is nonspecific, but is consistent with cases described in the literature and/or published databases with overlapping variants. This exon deletion has also been reported in the literature in at least 4 individuals with myasthenic syndrome (PMID: 33296147). Of the 4 affected individuals, at least 2 were compound heterozygotes that carried a reported likely pathogenic variant in trans, which increases the likelihood that the exon 8 deletion variant is pathogenic (Variation ID: 504421; PMID: 33296147). This intragenic variant is predicted to cause a frameshift, which alters the protein’s amino acid sequence beginning at exon 8 and leads to a premature termination codon. This alteration is then predicted to lead to a truncated or absent protein. Loss of function of CHRNB1 is an established disease mechanism in autosomal recessive myasthenic syndrome. In summary, this variant meets criteria to be classified as pathogenic for autosomal recessive myasthenic syndrome. The ACMG/ClinGen evidence codes and points used in this curation are as follows: 1: 0 points, 2: 0.9 points, 3: 0 points, 4-5: 0.45 points; Total: 1.35 points; Riggs 2020 (PMID: 31690835).

Literature cited by the submitters: PubMed 33060286; PubMed 33296147.

GRCh38/hg38 17p13.1(chr17:7454200-7454618)x0

Gene: CHRNB1 (cholinergic receptor nicotinic beta 1 subunit; plus strand). Cytogenetic location: 17p13.1.
Variant type: copy number loss.
Change: copy number 0 (both copies lost) of chr17:7,454,200-7,454,618 (0.4 kb, GRCh38 coordinates, 1-based), cytogenetic band 17p13.1.
Identifiers: ClinVar variation 2579228 (VCV002579228.1).